The following is an entry in ClinVar:

NM_001267550.2(TTN):c.46201_46204del (p.Thr15401fs)

Gene: TTN (titin; minus strand). Cytogenetic location: 2q31.2.
Variant type: Deletion.
Coding change: c.46201_46204del on transcript NM_001267550.2 (MANE Select); coding-DNA positions 46201 to 46204, 4 bases deleted (ACAG; older notation c.46201_46204delACAG).
Protein change: p.Thr15401fs; shifts the reading frame from threonine 15401.
Molecular consequence: frameshift variant.
Genome position (GRCh38, 1-based): chr2:178,620,317-178,620,320, CTGT deleted on the plus strand (ACAG on the coding strand, the reverse complement: TTN is on the minus strand); deleting any 4 consecutive bases within chr2:178,620,317-178,620,323 gives the same sequence; the c. name uses the placement nearest the transcript's 3' end. VCF-style (leftmost placement, unchanged base first): chr2-178620316-ACTGT-A. GRCh37 (hg19) VCF-style: chr2-179485043-ACTGT-A.
Other names: c.41278_41281del, p.Thr13760fs (NM_001256850.1); c.19006_19009del, p.Thr6336fs (NM_003319.4); c.38497_38500del, p.Thr12833fs (NM_133378.4); c.19381_19384del, p.Thr6461fs (NM_133432.3); c.19582_19585del, p.Thr6528fs (NM_133437.4); short protein forms T15401fs, T12833fs, T6528fs, T13760fs, T6336fs, T6461fs.
Identifiers: ClinVar variation 2032335 (VCV002032335.4), dbSNP rs758647363, ClinGen allele CA1995289.

ClinVar aggregate classification (germline): Likely pathogenic (1 of 4 stars; one submission).

Conditions:
Dilated cardiomyopathy 1G (CMD1G). Identifiers: Orphanet 154, MedGen C1858763, MONDO:0011400, OMIM 604145.
Autosomal recessive limb-girdle muscular dystrophy type 2J (LGMDR10). Also called: Limb-girdle muscular dystrophy, type 2J; MUSCULAR DYSTROPHY, LIMB-GIRDLE, AUTOSOMAL RECESSIVE 10. Identifiers: Orphanet 140922, MedGen C1837342, MONDO:0012127, OMIM 608807.

Submission:

Labcorp Genetics (formerly Invitae), Labcorp
Classification: Likely pathogenic for Dilated cardiomyopathy 1G; Autosomal recessive limb-girdle muscular dystrophy type 2J. Last evaluated: 2024-10-28. Review status: criteria provided, single submitter. Criteria: Invitae Variant Classification Sherloc (09022015). Collection method: clinical testing. Allele origin: germline.
Comment: This sequence change creates a premature translational stop signal (p.Thr15401Serfs*20) in the TTN gene. While this is not anticipated to result in nonsense mediated decay, it is expected to create a truncated TTN protein. This variant is present in population databases (rs758647363, gnomAD 0.001%). This variant has not been reported in the literature in individuals affected with TTN-related conditions. ClinVar contains an entry for this variant (Variation ID: 2032335). This variant is located in the I band of TTN (PMID: 25589632). Truncating variants in this region have been reported in individuals affected with autosomal recessive centronuclear myopathy (PMID: 23975875, internal data). Truncating variants in this region have also been identified in individuals affected with autosomal dominant dilated cardiomyopathy and/or cardio-related conditions (PMID: 27869827, 32964742, internal data). In summary, the currently available evidence indicates that the variant is pathogenic, but additional data are needed to prove that conclusively. Therefore, this variant has been classified as Likely Pathogenic.

Literature cited by the submitters: PubMed 25589632; PubMed 23975875; PubMed 27869827; PubMed 32964742.